The following is an entry in ClinVar:

NM_015346.4(ZFYVE26):c.*583C>T

Gene: ZFYVE26 (zinc finger FYVE-type containing 26; minus strand). Cytogenetic location: 14q24.1.
Variant type: single nucleotide variant.
Coding change: c.*583C>T on transcript NM_015346.4 (MANE Select); 583 bases downstream of the stop codon, C replaced by T.
Molecular consequence: 3 prime UTR variant.
Genome position (GRCh38, 1-based): chr14:67,747,853, G>A on the plus strand (C>T on the coding strand, the complement: ZFYVE26 is on the minus strand). VCF-style: chr14-67747853-G-A. GRCh37 (hg19) VCF-style: chr14-68214570-G-A.
Identifiers: ClinVar variation 313863 (VCV000313863.36), dbSNP rs72723172, ClinGen allele CA10640683.
Genomic context (GRCh38, chr14:67,747,853, plus strand): 5'-GACTACCTTCCAAAGACTCCAGGACTTCTTGTGCTTGGGAGAAGAGACACCTGGAAAACA[G>A]GTTTATTCCACAGGTAGCACTTGCCCCAAAGCCATCTCTGAATTTTGGAATGGGAAGGAA-3'

ClinVar aggregate classification (germline): Conflicting classifications of pathogenicity. Review status: criteria provided, conflicting classifications (1 of 4 stars). 2 submissions from 2 submitters: Uncertain significance (1); Likely benign (1). Last evaluated 2023-04-01.

Conditions:
Hereditary spastic paraplegia 15 (SPG15). Also called: KJELLIN SYNDROME; SPASTIC PARAPLEGIA AND RETINAL DEGENERATION; SPASTIC PARAPLEGIA 15, AUTOSOMAL RECESSIVE. Identifiers: Orphanet 100996, MedGen C1849128, MONDO:0010044, OMIM 270700.

Allele frequency attached by ClinVar (database versions not stated): 1000 Genomes Project 0.00240; 1000 Genomes Project 30x 0.00250; TOPMed 0.00544; gnomAD 0.00731 and 0.00761; gnomAD exomes 0.00731.
gnomAD v4.1: 1,141 of 157,884 alleles (0.72%); highest among the groups gnomAD compares: Non-Finnish European, 1.1%; 1 homozygote.

Submissions (2):

CeGaT Center for Human Genetics Tuebingen
Classification: Likely benign. Last evaluated: 2023-04-01. Review status: criteria provided, single submitter. Criteria: CeGaT Center For Human Genetics Tuebingen Variant Classification Criteria Version 2. Collection method: clinical testing. Allele origin: germline. Affected: yes. Observed: 5 variant alleles.
Comment: ZFYVE26: BS1

Illumina Laboratory Services, Illumina
Classification: Uncertain significance for Hereditary spastic paraplegia 15. Last evaluated: 2018-01-13. Review status: criteria provided, single submitter. Criteria: ICSL Variant Classification Criteria 13 December 2019. Collection method: clinical testing. Allele origin: germline.